The following is an entry in ClinVar:

NM_014865.4(NCAPD2):c.1185+8A>G

Gene: NCAPD2 (non-SMC condensin I complex subunit D2; plus strand). Cytogenetic location: 12p13.31.
Variant type: single nucleotide variant.
Coding change: c.1185+8A>G on transcript NM_014865.4 (MANE Select); 8 bases into the intron after coding-DNA position 1185, A replaced by G.
Molecular consequence: intron variant.
Genome position (GRCh38, 1-based): chr12:6,517,033, A>G. VCF-style: chr12-6517033-A-G. GRCh37 (hg19) VCF-style: chr12-6626199-A-G.
Identifiers: ClinVar variation 770408 (VCV000770408.32), dbSNP rs141122541, ClinGen allele CA6408321.

ClinVar aggregate classification (germline): Benign. Review status: criteria provided, multiple submitters, no conflicts (2 of 4 stars). 3 submissions from 3 submitters: Benign (3). Last evaluated 2026-07-01.

Allele frequency attached by ClinVar (database versions not stated): 1000 Genomes Project 0.00499; 1000 Genomes Project 30x 0.00531; gnomAD 0.00840 and 0.00855; TOPMed 0.00917; ExAC 0.00935; gnomAD exomes 0.00974 and 0.01229; ESP Exome Variant Server 0.01053.
gnomAD v4.1: 19,356 of 1,613,890 alleles (1.2%); highest among the groups gnomAD compares: Middle Eastern, 2.3%; 145 homozygotes.

Submissions (3):

CeGaT Center for Human Genetics Tuebingen
Classification: Benign. Last evaluated: 2026-07-01. Review status: criteria provided, single submitter. Criteria: CeGaT Center For Human Genetics Tuebingen Variant Classification Criteria Version 2. Collection method: clinical testing. Allele origin: germline. Affected: yes. Observed: 15 variant alleles.
Comment: NCAPD2: BP4, BS1, BS2

Labcorp Genetics (formerly Invitae), Labcorp
Classification: Benign. Last evaluated: 2019-12-31. Review status: criteria provided, single submitter. Criteria: Invitae Variant Classification Sherloc (09022015). Collection method: clinical testing. Allele origin: germline.

Breakthrough Genomics
Classification: Benign. Review status: criteria provided, single submitter. Criteria: ACMG Guidelines, 2015. Collection method: not provided. Allele origin: germline. Inheritance: Autosomal recessive inheritance. Affected: yes.